The following is an entry in ClinVar:

ClinVar aggregate classification (germline): Pathogenic (1 of 4 stars; one submission).

Conditions:
Familial adenomatous polyposis 2. Also called: FAP type 2; MUTYH Polyposis; COLORECTAL ADENOMATOUS POLYPOSIS, AUTOSOMAL RECESSIVE; ADENOMAS, MULTIPLE COLORECTAL, AUTOSOMAL RECESSIVE; MYH-associated polyposis; MUTYH-associated polyposis. Identifiers: Orphanet 220460, Orphanet 247798, MedGen C3272841, MONDO:0012041, OMIM 608456.

Submission:

Labcorp Genetics (formerly Invitae), Labcorp
Classification: Pathogenic for Familial adenomatous polyposis 2. Last evaluated: 2020-01-29. Review status: criteria provided, single submitter. Criteria: Invitae Variant Classification Sherloc (09022015). Collection method: clinical testing. Allele origin: germline.
Comment: This sequence change results in a frameshift in the MUTYH gene (p.Thr504Profs*67). While this is not anticipated to result in nonsense mediated decay, it is expected to disrupt the last 46 amino acids of the MUTYH protein and extend the protein by an additional 25 amino acids. For these reasons, this variant has been classified as Pathogenic. This variant results in an extension of the MUTYH protein. Other variant(s) that result in a similarly extended protein product (p.Ser518Valfs*53) have been determined to be pathogenic (PMID: 11092888, 26377631, 11864576). This suggests that these extensions are likely to be causative of disease. This variant has not been reported in the literature in individuals with MUTYH-related conditions. This variant is not present in population databases (ExAC no frequency).

Literature cited by the submitters: PubMed 11092888; PubMed 26377631; PubMed 11864576.

NM_001048174.2(MUTYH):c.1425del (p.Thr476fs)

Gene: MUTYH (mutY DNA glycosylase; minus strand). Cytogenetic location: 1p34.1.
Variant type: Deletion.
Coding change: c.1425del on transcript NM_001048174.2 (MANE Select); coding-DNA position 1425, one base deleted (G; older notation c.1425delG).
Protein change: p.Thr476fs; shifts the reading frame from threonine 476.
Molecular consequence: frameshift variant. On other transcripts: non-coding transcript variant (2).
Genome position (GRCh38, 1-based): chr1:45,330,525, C deleted on the plus strand (G on the coding strand, the reverse complement: MUTYH is on the minus strand); the first of 3 consecutive C bases (chr1:45,330,525-45,330,527); deleting any one gives the same sequence. VCF-style (leftmost placement, unchanged base first): chr1-45330524-TC-T. GRCh37 (hg19) VCF-style: chr1-45796196-TC-T.
Other names: c.1425del, p.Thr476fs (NM_001048171.2, NM_001048173.2, NM_001293195.2); c.1428del, p.Thr477fs (NM_001048172.2); c.1509del, p.Thr504fs (NM_001128425.2); c.1470del, p.Thr491fs (NM_001293190.2); c.1458del, p.Thr487fs (NM_001293191.2); c.1149del, p.Thr384fs (NM_001293192.2, NM_001293196.2); c.1080del, p.Thr361fs (NM_001350650.2, NM_001350651.2); c.1500del, p.Thr501fs (NM_012222.3); short protein forms T361fs, T384fs, T476fs, T477fs, T487fs, T491fs, T501fs, T504fs.
Identifiers: ClinVar variation 1072128 (VCV001072128.9), dbSNP rs2149103038, ClinGen allele CA2499214750.